The following is an entry in ClinVar:

NM_182914.3(SYNE2):c.13861G>A (p.Ala4621Thr)

Gene: SYNE2 (spectrin repeat containing nuclear envelope protein 2; plus strand). Cytogenetic location: 14q23.2.
Variant type: single nucleotide variant.
Coding change: c.13861G>A on transcript NM_182914.3 (MANE Select); coding-DNA position 13861, G replaced by A.
Protein change: p.Ala4621Thr; replaces alanine 4621 with threonine.
Molecular consequence: missense variant.
Genome position (GRCh38, 1-based): chr14:64,126,751, G>A. VCF-style: chr14-64126751-G-A. GRCh37 (hg19) VCF-style: chr14-64593469-G-A.
Other names: c.13861G>A, p.Ala4621Thr (NM_015180.6); short protein forms A4621T.
Identifiers: ClinVar variation 470931 (VCV000470931.9), dbSNP rs745357432, ClinGen allele CA7222590.

ClinVar aggregate classification (germline): Uncertain significance (1 of 4 stars; one submission).

Conditions:
Emery-Dreifuss muscular dystrophy 5, autosomal dominant (EDMD5). Also called: EMERY-DREIFUSS MUSCULAR DYSTROPHY 5. Identifiers: Orphanet 261, MedGen C2751805, MONDO:0013072, OMIM 612999.

Allele frequency attached by ClinVar (database versions not stated): ExAC 0.00001; gnomAD exomes 0.00001 and 0.00003; TOPMed 0.00002.

Submission:

Labcorp Genetics (formerly Invitae), Labcorp
Classification: Uncertain significance for Emery-Dreifuss muscular dystrophy 5, autosomal dominant. Last evaluated: 2026-01-08. Review status: criteria provided, single submitter. Criteria: Invitae Variant Classification Sherloc (09022015). Collection method: clinical testing. Allele origin: germline.
Comment: This sequence change replaces alanine, which is neutral and non-polar, with threonine, which is neutral and polar, at codon 4621 of the SYNE2 protein (p.Ala4621Thr). This variant is present in population databases (rs745357432, gnomAD 0.02%). This variant has not been reported in the literature in individuals affected with SYNE2-related conditions. ClinVar contains an entry for this variant (Variation ID: 470931). An algorithm developed to predict the effect of missense changes on protein structure and function outputs the following: PolyPhen-2: "Benign". The threonine amino acid residue is found in multiple mammalian species, which suggests that this missense change does not adversely affect protein function. In summary, the available evidence is currently insufficient to determine the role of this variant in disease. Therefore, it has been classified as a Variant of Uncertain Significance.